The following is an entry in ClinVar:

NM_003079.5(SMARCE1):c.679C>G (p.Leu227Val)

Gene: SMARCE1 (SWI/SNF related BAF chromatin remodeling complex subunit E1; minus strand). Cytogenetic location: 17q21.2.
Variant type: single nucleotide variant.
Coding change: c.679C>G on transcript NM_003079.5 (MANE Select); coding-DNA position 679, C replaced by G.
Protein change: p.Leu227Val; replaces leucine 227 with valine.
Molecular consequence: missense variant.
Genome position (GRCh38, 1-based): chr17:40,632,230, G>C on the plus strand (C>G on the coding strand, the complement: SMARCE1 is on the minus strand). VCF-style: chr17-40632230-G-C. GRCh37 (hg19) VCF-style: chr17-38788482-G-C.
Other names: short protein forms L227V.
Identifiers: ClinVar variation 1755483 (VCV001755483.2), dbSNP rs2143988287, ClinGen allele CA399364607.

ClinVar aggregate classification (germline): Uncertain significance (1 of 4 stars; one submission).

Conditions:
Hereditary cancer-predisposing syndrome. Also called: Neoplastic Syndromes, Hereditary; Tumor predisposition; Hereditary Cancer Syndrome; Hereditary neoplastic syndrome. Identifiers: Orphanet 140162, MedGen C0027672, MeSH D009386, MONDO:0015356.

Submission:

Ambry Genetics
Classification: Uncertain significance for Hereditary cancer-predisposing syndrome. Last evaluated: 2021-10-12. Review status: criteria provided, single submitter. Criteria: Ambry Variant Classification Scheme 2023. Collection method: clinical testing. Allele origin: germline.
Comment: The p.L227V variant (also known as c.679C>G), located in coding exon 7 of the SMARCE1 gene, results from a C to G substitution at nucleotide position 679. The leucine at codon 227 is replaced by valine, an amino acid with highly similar properties. This amino acid position is highly conserved in available vertebrate species. In addition, the in silico prediction for this alteration is inconclusive. Missense and in-frame variants in SMARCE1 are known to cause neurodevelopmental disorders; however, such associations with increased risk of meningiomas are exceedingly rare (Kosho T et al. Am J Med Genet C Semin Med Genet. 2014 Sep;166C(3):262-75; Smith JM et al. Nat Genet. 2013 Mar;45(3):295-8). Based on the supporting evidence, the association of this alteration with Coffin-Siris syndrome is unknown; however, the association of this alteration with an increased risk of meningiomas is unlikely.